The following is an entry in ClinVar:

ClinVar aggregate classification (germline): Uncertain significance. Review status: criteria provided, multiple submitters, no conflicts (2 of 4 stars). 2 submissions from 2 submitters: Uncertain significance (2). Last evaluated 2026-02-18.

Allele frequency attached by ClinVar (database versions not stated): ExAC 0.00001; TOPMed 0.00001; gnomAD exomes 0.00004.

Submissions (2):

Women's Health and Genetics/Laboratory Corporation of America, LabCorp
Classification: Uncertain significance. Last evaluated: 2026-02-18. Review status: criteria provided, single submitter. Criteria: LabCorp Variant Classification Summary - May 2015. Collection method: clinical testing. Allele origin: germline.
Comment: Variant summary: GRIN2D c.1795G>C (p.Val599Leu) results in a conservative amino acid change in the encoded protein sequence. Algorithms developed to predict the effect of missense changes on protein structure and function are either unavailable or do not agree on the potential impact of this missense change. The variant allele was found at a frequency of 4e-05 in 249470 control chromosomes. This frequency is not significantly higher than estimated for disease-causing variants in GRIN2D, allowing no conclusion about variant significance. To our knowledge, no occurrence of c.1795G>C in individuals affected with GRIN2D-related conditions and no experimental evidence demonstrating its impact on protein function have been reported. ClinVar contains an entry for this variant (Variation ID: 1424234). Based on the evidence outlined above, the variant was classified as uncertain significance.

Labcorp Genetics (formerly Invitae), Labcorp
Classification: Uncertain significance. Last evaluated: 2025-05-30. Review status: criteria provided, single submitter. Criteria: Invitae Variant Classification Sherloc (09022015). Collection method: clinical testing. Allele origin: germline.
Comment: This sequence change replaces valine, which is neutral and non-polar, with leucine, which is neutral and non-polar, at codon 599 of the GRIN2D protein (p.Val599Leu). This variant is present in population databases (rs745548163, gnomAD 0.03%). This variant has not been reported in the literature in individuals affected with GRIN2D-related conditions. ClinVar contains an entry for this variant (Variation ID: 1424234). Invitae Evidence Modeling of protein sequence and biophysical properties (such as structural, functional, and spatial information, amino acid conservation, physicochemical variation, residue mobility, and thermodynamic stability) indicates that this missense variant is not expected to disrupt GRIN2D protein function with a negative predictive value of 80%. In summary, the available evidence is currently insufficient to determine the role of this variant in disease. Therefore, it has been classified as a Variant of Uncertain Significance.

NM_000836.4(GRIN2D):c.1795G>C (p.Val599Leu)

Gene: GRIN2D (glutamate ionotropic receptor NMDA type subunit 2D; plus strand). Cytogenetic location: 19q13.33.
Variant type: single nucleotide variant.
Coding change: c.1795G>C on transcript NM_000836.4 (MANE Select); coding-DNA position 1795, G replaced by C.
Protein change: p.Val599Leu; replaces valine 599 with leucine.
Molecular consequence: missense variant.
Genome position (GRCh38, 1-based): chr19:48,419,293, G>C. VCF-style: chr19-48419293-G-C. GRCh37 (hg19) VCF-style: chr19-48922550-G-C.
Other names: short protein forms V599L.
Identifiers: ClinVar variation 1424234 (VCV001424234.9), dbSNP rs745548163, ClinGen allele CA9550594.
Genomic context (GRCh38, chr19:48,419,293, plus strand): 5'-GAGCCCTACAGCCCCGCCGTGTGGGTGATGATGTTCGTCATGTGCCTCACTGTGGTCGCC[G>C]TCACTGTTTTCATCTTCGAGTACCTCAGTCCTGTTGGTTACAACCGCAGCCTGGCCACGG-3'
Protein context (NP_000827.2, residues 589-609): MFVMCLTVVA[Val599Leu]TVFIFEYLSP